The following is an entry in ClinVar:

ClinVar aggregate classification (germline): Benign. Review status: criteria provided, single submitter (1 of 4 stars). 2 submissions from 2 submitters: Benign (1). 1 of the submissions does not count toward it. Last evaluated 2018-08-30.

Conditions:
SEMA5A-related disorder. Also called: SEMA5A-related condition.

Allele frequency attached by ClinVar (database versions not stated): gnomAD exomes 0.00022; ExAC 0.00031; 1000 Genomes Project 0.00060; 1000 Genomes Project 30x 0.00078; ESP Exome Variant Server 0.00085; gnomAD 0.00117 and 0.00128; TOPMed 0.00128.
gnomAD v4.1: 342 of 1,614,202 alleles (0.021%); highest among the groups gnomAD compares: African/African-American, 0.36%; 2 homozygotes.

Submissions (2):

Labcorp Genetics (formerly Invitae), Labcorp
Classification: Benign. Last evaluated: 2018-08-30. Review status: criteria provided, single submitter. Criteria: Invitae Variant Classification Sherloc (09022015). Collection method: clinical testing. Allele origin: germline.

PreventionGenetics, part of Exact Sciences
Classification: Likely benign for SEMA5A-related condition. Last evaluated: 2020-04-28. Review status: no assertion criteria provided. Collection method: clinical testing. Allele origin: germline. Not counted in ClinVar's aggregate classification.
Comment: This variant is classified as likely benign based on ACMG/AMP sequence variant interpretation guidelines (Richards et al. 2015 PMID: 25741868, with internal and published modifications).

NM_003966.3(SEMA5A):c.1971A>T (p.Thr657=)

Gene: SEMA5A (semaphorin 5A; minus strand). Cytogenetic location: 5p15.31.
Variant type: single nucleotide variant.
Coding change: c.1971A>T on transcript NM_003966.3 (MANE Select); coding-DNA position 1971, A replaced by T.
Protein change: p.Thr657=; no amino-acid change (threonine 657 retained).
Molecular consequence: synonymous variant.
Genome position (GRCh38, 1-based): chr5:9,108,242, T>A on the plus strand (A>T on the coding strand, the complement: SEMA5A is on the minus strand). VCF-style: chr5-9108242-T-A. GRCh37 (hg19) VCF-style: chr5-9108354-T-A.
Identifiers: ClinVar variation 741118 (VCV000741118.5), dbSNP rs149188938, ClinGen allele CA3196575.
Genomic context (GRCh38, chr5:9,108,242, plus strand): 5'-GCGGCGAGCTTGAATGCCACCCCCGCATTGGGCTGTGCACCGTTCCCAAGGACCCCAGCC[T>A]GTCCAGAACATGTGTGGGGGACATAGCAAATGTTCATTGCAGTATCTGTAATGAGGAAAC-3'
Protein context (NP_003957.2, residues 647-667): HLLCPPHMFW[Thr657=]GWGPWERCTA